The following is an entry in ClinVar:

ClinVar aggregate classification (germline): Uncertain significance. Review status: criteria provided, multiple submitters, no conflicts (2 of 4 stars). 4 submissions from 4 submitters: Uncertain significance (4). Last evaluated 2025-07-21.

Conditions:
Fanconi anemia (FA). Also called: Fanconi's anemia. Identifiers: Orphanet 84, MedGen C0015625, MeSH D005199, MONDO:0019391.
Fanconi anemia complementation group I (FANCI). Also called: FANCI-Related Fanconi Anemia. Identifiers: Orphanet 84, MedGen C1836861, MONDO:0012186, OMIM 609053.

Allele frequency attached by ClinVar (database versions not stated): gnomAD exomes 0.00001 and 0.00003; ExAC 0.00002; ESP Exome Variant Server 0.00008; gnomAD 0.00008; TOPMed 0.00008; 1000 Genomes Project 0.00040; 1000 Genomes Project 30x 0.00047.
gnomAD v4.1: 15 of 1,614,170 alleles (0.00093%); highest among the groups gnomAD compares: African/African-American, 0.019%; no homozygotes.

Submissions (4):

Labcorp Genetics (formerly Invitae), Labcorp
Classification: Uncertain significance for Fanconi anemia. Last evaluated: 2025-07-21. Review status: criteria provided, single submitter. Criteria: Invitae Variant Classification Sherloc (09022015). Collection method: clinical testing. Allele origin: germline.
Comment: This sequence change replaces glutamic acid, which is acidic and polar, with lysine, which is basic and polar, at codon 284 of the FANCI protein (p.Glu284Lys). This variant is present in population databases (rs368711186, gnomAD 0.04%). This variant has not been reported in the literature in individuals affected with FANCI-related conditions. ClinVar contains an entry for this variant (Variation ID: 998244). Invitae Evidence Modeling of protein sequence and biophysical properties (such as structural, functional, and spatial information, amino acid conservation, physicochemical variation, residue mobility, and thermodynamic stability) indicates that this missense variant is expected to disrupt FANCI protein function with a positive predictive value of 80%. In summary, the available evidence is currently insufficient to determine the role of this variant in disease. Therefore, it has been classified as a Variant of Uncertain Significance.

Fulgent Genetics
Classification: Uncertain significance for Fanconi anemia complementation group I. Last evaluated: 2021-11-12. Review status: criteria provided, single submitter. Criteria: ACMG Guidelines, 2015. Collection method: clinical testing. Allele origin: unknown.

Sema4
Classification: Uncertain significance for Fanconi anemia. Last evaluated: 2021-04-23. Review status: criteria provided, single submitter. Criteria: Sema4 Curation Guidelines. Collection method: curation. Allele origin: germline.
Comment: The FANCI c.850G>A (p.E284K) variant has not been reported in the literature to our knowledge. It was observed in 9/24968 chromosomes of the African/African American subpopulation in the large and broad cohorts of the Genome Aggregation Database. The variant has been reported in ClinVar (Variation ID 998244). In silico tools suggest the impact of the variant on protein function is inconclusive, though these predictions have not been confirmed by functional studies. The evidence is insufficient to meet ACMG/AMP criteria for classifying the variant as benign or pathogenic. Thus, the clinical significance of this variant is currently uncertain.

Baylor Genetics
Classification: Uncertain significance for Fanconi anemia complementation group I. Last evaluated: 2020-06-20. Review status: criteria provided, single submitter. Criteria: ACMG Guidelines, 2015. Collection method: clinical testing. Allele origin: unknown. Affected: yes. Study: CSER-TexasKidsCanSeq.
Comment: This variant was determined to be of uncertain significance according to ACMG Guidelines, 2015 [PMID:25741868].

NM_001113378.2(FANCI):c.850G>A (p.Glu284Lys)

Gene: FANCI (FA complementation group I; plus strand). Cytogenetic location: 15q26.1.
Variant type: single nucleotide variant.
Coding change: c.850G>A on transcript NM_001113378.2 (MANE Select); coding-DNA position 850, G replaced by A.
Protein change: p.Glu284Lys; replaces glutamic acid 284 with lysine.
Molecular consequence: missense variant.
Genome position (GRCh38, 1-based): chr15:89,268,493, G>A. VCF-style: chr15-89268493-G-A. GRCh37 (hg19) VCF-style: chr15-89811724-G-A.
Other names: c.571G>A, p.Glu191Lys (NM_001376910.1); c.850G>A, p.Glu284Lys (NM_001376911.1, NM_018193.3); short protein forms E191K, E284K.
Identifiers: ClinVar variation 998244 (VCV000998244.11), dbSNP rs368711186, ClinGen allele CA7722787.